The following is an entry in ClinVar:

ClinVar aggregate classification (germline): Uncertain significance (1 of 4 stars; one submission).

Conditions:
Hereditary cancer-predisposing syndrome. Also called: Neoplastic Syndromes, Hereditary; Tumor predisposition; Hereditary Cancer Syndrome; Hereditary neoplastic syndrome. Identifiers: Orphanet 140162, MedGen C0027672, MeSH D009386, MONDO:0015356.

Submission:

Ambry Genetics
Classification: Uncertain significance for Hereditary cancer-predisposing syndrome. Last evaluated: 2024-04-25. Review status: criteria provided, single submitter. Criteria: Ambry Variant Classification Scheme 2023. Collection method: clinical testing. Allele origin: germline.
Comment: The p.V2937G variant (also known as c.8810T>G), located in coding exon 60 of the ATM gene, results from a T to G substitution at nucleotide position 8810. The valine at codon 2937 is replaced by glycine, an amino acid with dissimilar properties. This amino acid position is highly conserved in available vertebrate species. In addition, this alteration is predicted to be deleterious by in silico analysis. Based on the available evidence, the clinical significance of this variant remains unclear.

NM_000051.4(ATM):c.8810T>G (p.Val2937Gly)

Genes: ATM (ATM serine/threonine kinase; plus strand), C11orf65 (chromosome 11 open reading frame 65; minus strand). Cytogenetic location: 11q22.3.
Variant type: single nucleotide variant.
Coding change: c.8810T>G on transcript NM_000051.4 (MANE Select); coding-DNA position 8810, T replaced by G.
Protein change: p.Val2937Gly; replaces valine 2937 with glycine.
Molecular consequence: missense variant. On other transcripts: intron variant (2).
Genome position (GRCh38, 1-based): chr11:108,354,834, T>G. VCF-style: chr11-108354834-T-G. GRCh37 (hg19) VCF-style: chr11-108225561-T-G.
Other names: c.8810T>G, p.Val2937Gly (NM_001351834.2); c.640+31086A>C (NM_001330368.2); c.695-19542A>C (NM_001351110.2); short protein forms V2937G.
Identifiers: ClinVar variation 3325428 (VCV003325428.1).